The following is an entry in ClinVar:

ClinVar aggregate classification (germline): Likely pathogenic (1 of 4 stars; one submission).

Submission:

GeneDx
Classification: Likely pathogenic. Last evaluated: 2019-06-04. Review status: criteria provided, single submitter. Criteria: GeneDx Variant Classification Process June 2021. Collection method: clinical testing. Allele origin: germline. Affected: yes.
Comment: Frameshift variant predicted to result in protein truncation or nonsense mediated decay in a gene for which loss-of-function is a known mechanism of disease; Not observed in large population cohorts (Lek et al., 2016); Has not been previously published as pathogenic or benign to our knowledge

NM_015512.5(DNAH1):c.5996_5997del (p.Thr1999fs)

Gene: DNAH1 (dynein axonemal heavy chain 1; plus strand). Cytogenetic location: 3p21.1.
Variant type: Deletion.
Coding change: c.5996_5997del on transcript NM_015512.5 (MANE Select); coding-DNA positions 5996 to 5997, 2 bases deleted (CA; older notation c.5996_5997delCA).
Protein change: p.Thr1999fs; shifts the reading frame from threonine 1999.
Molecular consequence: frameshift variant.
Genome position (GRCh38, 1-based): chr3:52,369,877-52,369,878, CA deleted; deleting any 2 consecutive bases within chr3:52,369,876-52,369,878 gives the same sequence; the c. name uses the placement nearest the transcript's 3' end. VCF-style (leftmost placement, unchanged base first): chr3-52369875-TAC-T. GRCh37 (hg19) VCF-style: chr3-52403891-TAC-T.
Other names: short protein forms T1999fs.
Identifiers: ClinVar variation 1203792 (VCV001203792.3), dbSNP rs2153224677, ClinGen allele CA2499216932.